The following is an entry in ClinVar:

ClinVar aggregate classification (germline): Uncertain significance (1 of 4 stars; one submission).

Submission:

GeneDx
Classification: Uncertain significance. Last evaluated: 2024-12-30. Review status: criteria provided, single submitter. Criteria: GeneDx Variant Classification Process June 2021. Collection method: clinical testing. Allele origin: germline. Affected: yes.
Comment: Nonsense variant predicted to result in protein truncation or nonsense mediated decay in a gene or region of a gene for which loss of function is not a well-established mechanism of disease; Not observed at significant frequency in large population cohorts (gnomAD); Has not been previously published as pathogenic or benign to our knowledge

NM_138792.4(LEO1):c.1724dup (p.Tyr575Ter)

Gene: LEO1 (LEO1 homolog, Paf1/RNA polymerase II complex component; minus strand). Cytogenetic location: 15q21.2.
Variant type: Duplication.
Coding change: c.1724dup on transcript NM_138792.4 (MANE Select); coding-DNA position 1724, one base duplicated (A; older notation c.1724dupA).
Protein change: p.Tyr575Ter; replaces tyrosine 575 with a stop codon.
Molecular consequence: nonsense.
Genome position (GRCh38, 1-based): chr15:51,949,882, T duplicated on the plus strand (A on the coding strand, the reverse complement: LEO1 is on the minus strand). VCF-style (leftmost placement, unchanged base first): chr15-51949881-G-GT. GRCh37 (hg19) VCF-style: chr15-52242078-G-GT.
Other names: c.1544dup, p.Tyr515Ter (NM_001286430.2); c.1724dup, p.Tyr575Ter (NM_001323903.2, NM_001323904.2, NM_001426597.1 and 1 more transcripts); short protein forms Y515*, Y575*.
Identifiers: ClinVar variation 3907792 (VCV003907792.1).